The following is an entry in ClinVar:

ClinVar aggregate classification (germline): Uncertain significance (1 of 4 stars; one submission).

gnomAD v4.1: 1 of 1,610,610 alleles (0.000062%); highest among the groups gnomAD compares: Non-Finnish European, 0.000085%; no homozygotes.

Submission:

GeneDx
Classification: Uncertain significance. Last evaluated: 2023-10-25. Review status: criteria provided, single submitter. Criteria: GeneDx Variant Classification Process June 2021. Collection method: clinical testing. Allele origin: germline. Affected: yes.
Comment: Not observed at significant frequency in large population cohorts (gnomAD); In silico analysis supports that this missense variant has a deleterious effect on protein structure/function; Has not been previously published as pathogenic or benign to our knowledge

NM_017635.5(KMT5B):c.884G>A (p.Arg295Lys)

Gene: KMT5B (lysine methyltransferase 5B; minus strand). Cytogenetic location: 11q13.2.
Variant type: single nucleotide variant.
Coding change: c.884G>A on transcript NM_017635.5 (MANE Select); coding-DNA position 884, G replaced by A.
Protein change: p.Arg295Lys; replaces arginine 295 with lysine.
Molecular consequence: missense variant. On other transcripts: non-coding transcript variant (3).
Genome position (GRCh38, 1-based): chr11:68,171,108, C>T on the plus strand (G>A on the coding strand, the complement: KMT5B is on the minus strand). VCF-style: chr11-68171108-C-T. GRCh37 (hg19) VCF-style: chr11-67938575-C-T.
Other names: c.368G>A, p.Arg123Lys (NM_001300907.1, NM_001369424.1, NM_001369428.1 and 5 more transcripts); c.164G>A, p.Arg55Lys (NM_001300908.2); c.815G>A, p.Arg272Lys (NM_001300909.2); c.884G>A, p.Arg295Lys (NM_001363566.2, NM_001369426.1, NM_001369427.1 and 1 more transcripts); c.671G>A, p.Arg224Lys (NM_001369425.1); short protein forms R123K, R224K, R272K, R295K, R55K.
Identifiers: ClinVar variation 3366068 (VCV003366068.1).
Genomic context (GRCh38, chr11:68,171,108, plus strand): 5'-TTTTCTCCAAAGAACCCATCTCCATAATAACAAGAAATTTCTTCTCCAGGTTCAATGTCT[C>T]TTAGAGCCTTCACACATGCTGTATCTCGACCAGTTGACACAAACTAAAATAAAAGTAACT-3'
Protein context (NP_060105.3, residues 285-305): GRDTACVKAL[Arg295Lys]DIEPGEEISC